The following is an entry in ClinVar:

NM_001151.4(SLC25A4):c.634G>A (p.Val212Met)

Gene: SLC25A4 (solute carrier family 25 member 4; plus strand). Cytogenetic location: 4q35.1.
Variant type: single nucleotide variant.
Coding change: c.634G>A on transcript NM_001151.4 (MANE Select); coding-DNA position 634, G replaced by A.
Protein change: p.Val212Met; replaces valine 212 with methionine.
Molecular consequence: missense variant.
Genome position (GRCh38, 1-based): chr4:185,145,794, G>A. VCF-style: chr4-185145794-G-A. GRCh37 (hg19) VCF-style: chr4-186066948-G-A.
Other names: short protein forms V212M.
Identifiers: ClinVar variation 3706711 (VCV003706711.2).
Genomic context (GRCh38, chr4:185,145,794, plus strand): 5'-TTCGGCTTCTGGGCTCTGTCCACAGGGATGCTGCCTGACCCCAAGAACGTGCACATTTTT[G>A]TGAGCTGGATGATTGCCCAGAGTGTGACGGCAGTCGCAGGGCTGGTGTCCTACCCCTTTG-3'
Protein context (NP_001142.2, residues 202-222): LPDPKNVHIF[Val212Met]SWMIAQSVTA

ClinVar aggregate classification (germline): Uncertain significance (1 of 4 stars; one submission).

gnomAD v4.1: 1 of 1,614,248 alleles (0.000062%); highest among the groups gnomAD compares: Non-Finnish European, 0.000085%; no homozygotes.

Submission:

Labcorp Genetics (formerly Invitae), Labcorp
Classification: Uncertain significance. Last evaluated: 2025-01-14. Review status: criteria provided, single submitter. Criteria: Invitae Variant Classification Sherloc (09022015). Collection method: clinical testing. Allele origin: germline.
Comment: This sequence change replaces valine, which is neutral and non-polar, with methionine, which is neutral and non-polar, at codon 212 of the SLC25A4 protein (p.Val212Met). This variant is not present in population databases (gnomAD no frequency). This variant has not been reported in the literature in individuals affected with SLC25A4-related conditions. Invitae Evidence Modeling of protein sequence and biophysical properties (such as structural, functional, and spatial information, amino acid conservation, physicochemical variation, residue mobility, and thermodynamic stability) indicates that this missense variant is not expected to disrupt SLC25A4 protein function with a negative predictive value of 80%. In summary, the available evidence is currently insufficient to determine the role of this variant in disease. Therefore, it has been classified as a Variant of Uncertain Significance.